The following is an entry in ClinVar:

NM_001083961.2(WDR62):c.2739+173G>A

Gene: WDR62 (WD repeat domain 62; plus strand). Cytogenetic location: 19q13.12.
Variant type: single nucleotide variant.
Coding change: c.2739+173G>A on transcript NM_001083961.2 (MANE Select); 173 bases into the intron after coding-DNA position 2739, G replaced by A.
Molecular consequence: intron variant.
Genome position (GRCh38, 1-based): chr19:36,099,790, G>A. VCF-style: chr19-36099790-G-A. GRCh37 (hg19) VCF-style: chr19-36590692-G-A.
Other names: c.2739+173G>A (NM_173636.5).
Identifiers: ClinVar variation 677466 (VCV000677466.1), dbSNP rs77031309, ClinGen allele CA307841351.

ClinVar aggregate classification (germline): Benign (1 of 4 stars; one submission).

Allele frequency attached by ClinVar (database versions not stated): 1000 Genomes Project 0.01577; 1000 Genomes Project 30x 0.01655; TOPMed 0.03171; gnomAD 0.03579 and 0.03650.
gnomAD v4.1: 5,402 of 152,348 alleles (3.5%); highest among the groups gnomAD compares: Non-Finnish European, 5.6%; 146 homozygotes.

Submission:

GeneDx
Classification: Benign. Last evaluated: 2018-06-16. Review status: criteria provided, single submitter. Criteria: GeneDx Variant Classification (06012015). Collection method: clinical testing. Allele origin: germline. Affected: yes.
Comment: This variant is considered likely benign or benign based on one or more of the following criteria: it is a conservative change, it occurs at a poorly conserved position in the protein, it is predicted to be benign by multiple in silico algorithms, and/or has population frequency not consistent with disease.